The following is an entry in ClinVar:

ClinVar aggregate classification (germline): Uncertain significance. Review status: criteria provided, multiple submitters, no conflicts (2 of 4 stars). 2 submissions from 2 submitters: Uncertain significance (2). Last evaluated 2025-11-02.

Conditions:
Inborn genetic diseases. Identifiers: MedGen C0950123, MeSH D030342.

Allele frequency attached by ClinVar (database versions not stated): ExAC 0.00001; TOPMed 0.00001.
gnomAD v4.1: 16 of 1,614,162 alleles (0.00099%); highest among the groups gnomAD compares: Non-Finnish European, 0.0014%; no homozygotes.

Submissions (2):

Ambry Genetics
Classification: Uncertain significance for Inborn genetic diseases. Last evaluated: 2025-11-02. Review status: criteria provided, single submitter. Criteria: Ambry Variant Classification Scheme 2023. Collection method: clinical testing. Allele origin: germline.

Labcorp Genetics (formerly Invitae), Labcorp
Classification: Uncertain significance. Last evaluated: 2023-12-28. Review status: criteria provided, single submitter. Criteria: Invitae Variant Classification Sherloc (09022015). Collection method: clinical testing. Allele origin: germline.
Comment: This sequence change replaces lysine, which is basic and polar, with glutamine, which is neutral and polar, at codon 183 of the PAX3 protein (p.Lys183Gln). This variant is present in population databases (rs766433399, gnomAD 0.0009%). This variant has not been reported in the literature in individuals affected with PAX3-related conditions. Advanced modeling of protein sequence and biophysical properties (such as structural, functional, and spatial information, amino acid conservation, physicochemical variation, residue mobility, and thermodynamic stability) performed at Invitae indicates that this missense variant is not expected to disrupt PAX3 protein function with a negative predictive value of 95%. In summary, the available evidence is currently insufficient to determine the role of this variant in disease. Therefore, it has been classified as a Variant of Uncertain Significance.

NM_181458.4(PAX3):c.547A>C (p.Lys183Gln)

Gene: PAX3 (paired box 3; minus strand). Cytogenetic location: 2q36.1.
Variant type: single nucleotide variant.
Coding change: c.547A>C on transcript NM_181458.4 (MANE Select); coding-DNA position 547, A replaced by C.
Protein change: p.Lys183Gln; replaces lysine 183 with glutamine.
Molecular consequence: missense variant.
Genome position (GRCh38, 1-based): chr2:222,294,206, T>G on the plus strand (A>C on the coding strand, the complement: PAX3 is on the minus strand). VCF-style: chr2-222294206-T-G. GRCh37 (hg19) VCF-style: chr2-223158925-T-G.
Other names: c.547A>C (NM_181457.3); c.547A>C, p.Lys183Gln (NM_000438.6, NM_013942.5, NM_181457.4 and 3 more transcripts); c.544A>C, p.Lys182Gln (NM_001127366.3); short protein forms K182Q, K183Q.
Identifiers: ClinVar variation 2917656 (VCV002917656.4), dbSNP rs766433399, ClinGen allele CA2135701.
Genomic context (GRCh38, chr2:222,294,206, plus strand): 5'-GCCCAAGGCGCCACCGCTTACCTCGCTCGCTCAGGATGCCGTCGATGCTGTGTTTGGCCT[T>G]CTTCTCGCTTTCCTCTGCCTCCTTCCTCTCCAAGTCGGCCTCCTCCTCTTCACCTTTCCC-3'
Protein context (NP_852123.1, residues 173-193): ERKEAEESEK[Lys183Gln]AKHSIDGILS